The following is an entry in ClinVar:

ClinVar aggregate classification (germline): Uncertain significance. Review status: criteria provided, multiple submitters, no conflicts (2 of 4 stars). 3 submissions from 3 submitters: Uncertain significance (3). Last evaluated 2024-11-16.

Conditions:
DICER1-related tumor predisposition. Also called: DICER1 syndrome; DICER1-related pleuropulmonary blastoma cancer predisposition syndrome. Identifiers: Orphanet 284343, MedGen C3839822, MONDO:0100216.
Hereditary cancer-predisposing syndrome. Also called: Neoplastic Syndromes, Hereditary; Hereditary Cancer Syndrome; Tumor predisposition; Hereditary neoplastic syndrome. Identifiers: Orphanet 140162, MedGen C0027672, MeSH D009386, MONDO:0015356.

Allele frequency attached by ClinVar (database versions not stated): gnomAD exomes below 0.00001.
gnomAD v4.1: 1 of 1,614,094 alleles (0.000062%); highest among the groups gnomAD compares: South Asian, 0.0011%; no homozygotes.

Submissions (3):

Ambry Genetics
Classification: Uncertain significance for Hereditary cancer-predisposing syndrome. Last evaluated: 2024-11-16. Review status: criteria provided, single submitter. Criteria: Ambry Variant Classification Scheme 2023. Collection method: clinical testing. Allele origin: germline.
Comment: The p.I484V variant (also known as c.1450A>G), located in coding exon 8 of the DICER1 gene, results from an A to G substitution at nucleotide position 1450. The isoleucine at codon 484 is replaced by valine, an amino acid with highly similar properties. This amino acid position is conserved. In addition, this alteration is predicted to be tolerated by in silico analysis. Based on the available evidence, the clinical significance of this variant remains unclear.

Quest Diagnostics Nichols Institute San Juan Capistrano
Classification: Uncertain significance. Last evaluated: 2023-08-22. Review status: criteria provided, single submitter. Criteria: Quest Diagnostics criteria. Collection method: clinical testing. Allele origin: unknown.
Comment: This variant has not been reported in the published literature. It also has not been reported in large, multi-ethnic general populations (Genome Aggregation Database). Analysis of this variant using bioinformatics tools for the prediction of the effect of amino acid changes on protein structure and function yielded predictions that this variant is benign. Based on the available information, we are unable to determine the clinical significance of this variant.

Labcorp Genetics (formerly Invitae), Labcorp
Classification: Uncertain significance for DICER1-related tumor predisposition. Last evaluated: 2020-09-09. Review status: criteria provided, single submitter. Criteria: Invitae Variant Classification Sherloc (09022015). Collection method: clinical testing. Allele origin: germline.
Comment: In summary, the available evidence is currently insufficient to determine the role of this variant in disease. Therefore, it has been classified as a Variant of Uncertain Significance. Algorithms developed to predict the effect of missense changes on protein structure and function are either unavailable or do not agree on the potential impact of this missense change (SIFT: "Tolerated"; PolyPhen-2: "Probably Damaging"; Align-GVGD: "Class C0"). This variant has not been reported in the literature in individuals with DICER1-related conditions. This variant is not present in population databases (ExAC no frequency). This sequence change replaces isoleucine with valine at codon 484 of the DICER1 protein (p.Ile484Val). The isoleucine residue is highly conserved and there is a small physicochemical difference between isoleucine and valine.

NM_177438.3(DICER1):c.1450A>G (p.Ile484Val)

Gene: DICER1 (dicer 1, ribonuclease III; minus strand). Cytogenetic location: 14q32.13.
Variant type: single nucleotide variant.
Coding change: c.1450A>G on transcript NM_177438.3 (MANE Select); coding-DNA position 1450, A replaced by G.
Protein change: p.Ile484Val; replaces isoleucine 484 with valine.
Molecular consequence: missense variant.
Genome position (GRCh38, 1-based): chr14:95,117,681, T>C on the plus strand (A>G on the coding strand, the complement: DICER1 is on the minus strand). VCF-style: chr14-95117681-T-C. GRCh37 (hg19) VCF-style: chr14-95584018-T-C.
Other names: c.1450A>G, p.Ile484Val (NM_001195573.1, NM_001271282.3, NM_001291628.2 and 1 more transcripts); c.1450A>G (NM_177438.2); short protein forms I484V.
Identifiers: ClinVar variation 1038277 (VCV001038277.11), dbSNP rs1892600067, ClinGen allele CA390885543.